The following is an entry in ClinVar:

ClinVar aggregate classification (germline): Uncertain significance (1 of 4 stars; one submission).

Conditions:
Familial cold autoinflammatory syndrome 3 (FCAS3). Also called: FAMILIAL ATYPICAL COLD URTICARIA; ANTIBODY DEFICIENCY AND IMMUNE DYSREGULATION, PLCG2-ASSOCIATED. Identifiers: Orphanet 300359, MedGen C3280914, MONDO:0013766, OMIM 614468.

Submission:

Labcorp Genetics (formerly Invitae), Labcorp
Classification: Uncertain significance for Familial cold autoinflammatory syndrome 3. Last evaluated: 2024-10-22. Review status: criteria provided, single submitter. Criteria: Invitae Variant Classification Sherloc (09022015). Collection method: clinical testing. Allele origin: germline.
Comment: This sequence change creates a premature translational stop signal (p.Gly333Valfs*69) in the PLCG2 gene. It is expected to result in an absent or disrupted protein product. However, the current clinical and genetic evidence is not sufficient to establish whether loss-of-function variants in PLCG2 cause disease. This variant is not present in population databases (gnomAD no frequency). This variant has not been reported in the literature in individuals affected with PLCG2-related conditions. In summary, the available evidence is currently insufficient to determine the role of this variant in disease. Therefore, it has been classified as a Variant of Uncertain Significance.

NM_002661.5(PLCG2):c.998del (p.Gly333fs)

Gene: PLCG2 (phospholipase C gamma 2; plus strand). Cytogenetic location: 16q23.3.
Variant type: Deletion.
Coding change: c.998del on transcript NM_002661.5 (MANE Select); coding-DNA position 998, one base deleted (G; older notation c.998delG).
Protein change: p.Gly333fs; shifts the reading frame from glycine 333.
Molecular consequence: frameshift variant.
Genome position (GRCh38, 1-based): chr16:81,893,720, G deleted; the last of 2 consecutive G bases (chr16:81,893,719-81,893,720); deleting either gives the same sequence. VCF-style (leftmost placement, unchanged base first): chr16-81893718-AG-A. GRCh37 (hg19) VCF-style: chr16-81927323-AG-A.
Other names: c.998delG, p.Gly333Valfs (NM_001425749.1, NM_001425750.1, NM_001425751.1); short protein forms G333fs.
Identifiers: ClinVar variation 2822049 (VCV002822049.3), dbSNP rs2507625189, ClinGen allele CA2739266913.
Genomic context (GRCh38, chr16:81,893,718, plus strand): 5'-CAACCCCTGTGGCTGCCACTCTCACACGGCCACCTGCCTTCTCTCCTGCAGGTACCTTAC[AG>A]GTGACCAGCTGCGGAGCGAGTCGTCCCCAGAAGCTTACATCCGCTGCCTGCGCATGGGCT-3'